The following is an entry in ClinVar:

ClinVar aggregate classification (germline): Uncertain significance (1 of 4 stars; one submission).

Conditions:
Ehlers-Danlos syndrome, dermatosparaxis type. Also called: EDS VIIC; Dermatosparaxis; Ehlers-Danlos syndrome, type VII, autosomal recessive. Identifiers: Orphanet 1901, MedGen C2700425, MONDO:0009161, OMIM 225410.

Allele frequency attached by ClinVar (database versions not stated): gnomAD exomes 0.00001; ExAC 0.00002; gnomAD 0.00002; TOPMed 0.00003; ESP Exome Variant Server 0.00015.

Submission:

Labcorp Genetics (formerly Invitae), Labcorp
Classification: Uncertain significance for Ehlers-Danlos syndrome, dermatosparaxis type. Last evaluated: 2022-05-14. Review status: criteria provided, single submitter. Criteria: Invitae Variant Classification Sherloc (09022015). Collection method: clinical testing. Allele origin: germline.
Comment: This sequence change replaces threonine, which is neutral and polar, with methionine, which is neutral and non-polar, at codon 217 of the ADAMTS2 protein (p.Thr217Met). This variant is present in population databases (rs149308698, gnomAD 0.008%). This variant has not been reported in the literature in individuals affected with ADAMTS2-related conditions. Algorithms developed to predict the effect of missense changes on protein structure and function are either unavailable or do not agree on the potential impact of this missense change (SIFT: "Deleterious"; PolyPhen-2: "Benign"; Align-GVGD: "Class C0"). In summary, the available evidence is currently insufficient to determine the role of this variant in disease. Therefore, it has been classified as a Variant of Uncertain Significance.

NM_014244.5(ADAMTS2):c.650C>T (p.Thr217Met)

Gene: ADAMTS2 (ADAM metallopeptidase with thrombospondin type 1 motif 2; minus strand). Cytogenetic location: 5q35.3.
Variant type: single nucleotide variant.
Coding change: c.650C>T on transcript NM_014244.5 (MANE Select); coding-DNA position 650, C replaced by T.
Protein change: p.Thr217Met; replaces threonine 217 with methionine.
Molecular consequence: missense variant.
Genome position (GRCh38, 1-based): chr5:179,272,949, G>A on the plus strand (C>T on the coding strand, the complement: ADAMTS2 is on the minus strand). VCF-style: chr5-179272949-G-A. GRCh37 (hg19) VCF-style: chr5-178699950-G-A.
Other names: c.650C>T, p.Thr217Met (NM_021599.4); short protein forms T217M.
Identifiers: ClinVar variation 2142820 (VCV002142820.1), dbSNP rs149308698, ClinGen allele CA3596245.